The following is an entry in ClinVar:

NM_014989.7(RIMS1):c.3399-2del

Gene: RIMS1 (regulating synaptic membrane exocytosis 1; plus strand). Cytogenetic location: 6q13.
Variant type: Deletion.
Coding change: c.3399-2del on transcript NM_014989.7 (MANE Select); the canonical splice acceptor site of the intron before coding-DNA position 3399, one base deleted (A; older notation c.3399-2delA).
Molecular consequence: splice acceptor variant. On other transcripts: intron variant (58).
Genome position (GRCh38, 1-based): chr6:72,274,347, A deleted. VCF-style (leftmost placement, unchanged base first): chr6-72274346-CA-C. GRCh37 (hg19) VCF-style: chr6-72984049-CA-C.
Other names: c.1559+8298del (NM_001350428.2, NM_001350459.2, NM_001350424.2 and 1 more transcripts); c.1557-2del (NM_001350437.2); c.1556+8298del (NM_001350430.2, NM_001350421.2, NM_001350450.2); c.1706+8298del (NM_001350458.2); c.1629-2del (NM_001350433.2); c.1628+8298del (NM_001350446.2, NM_001350442.2, NM_001350416.2 and 7 more transcripts); c.1539-9700del (NM_001350431.2); c.1565+8298del (NM_001350457.2); and 20 more.
Identifiers: ClinVar variation 2136435 (VCV002136435.5), dbSNP rs778538530, ClinGen allele CA3886234.

ClinVar aggregate classification (germline): Uncertain significance. Review status: criteria provided, multiple submitters, no conflicts (2 of 4 stars). 2 submissions from 2 submitters: Uncertain significance (2). Last evaluated 2022-03-26.

Allele frequency attached by ClinVar (database versions not stated): gnomAD exomes below 0.00001; ExAC 0.00001.

Submissions (2):

Labcorp Genetics (formerly Invitae), Labcorp
Classification: Uncertain significance. Last evaluated: 2022-03-26. Review status: criteria provided, single submitter. Criteria: Invitae Variant Classification Sherloc (09022015). Collection method: clinical testing. Allele origin: germline.
Comment: In summary, the available evidence is currently insufficient to determine the role of this variant in disease. Therefore, it has been classified as a Variant of Uncertain Significance. Disruption of this splice site has been observed in individual(s) with retinal disease (PMID: 27788217, 30910914). This variant is present in population databases (rs778538530, gnomAD 0.01%). This sequence change affects a splice site in intron 22 of the RIMS1 gene. It is expected to disrupt RNA splicing. Variants that disrupt the donor or acceptor splice site typically lead to a loss of protein function (PMID: 16199547), however the current clinical and genetic evidence is not sufficient to establish whether loss-of-function variants in RIMS1 cause disease.

Blueprint Genetics
Classification: Uncertain significance. Last evaluated: 2022-02-24. Review status: criteria provided, single submitter. Criteria: ACMG Guidelines, 2015. Collection method: clinical testing. Allele origin: germline.

Literature cited by the submitters: PubMed 27788217 (cited by Labcorp Genetics (formerly Invitae), Labcorp); PubMed 30910914 (cited by Labcorp Genetics (formerly Invitae), Labcorp); PubMed 16199547 (cited by Labcorp Genetics (formerly Invitae), Labcorp).